The following is an entry in ClinVar:

NM_004304.5(ALK):c.2185C>G (p.Pro729Ala)

Gene: ALK (ALK receptor tyrosine kinase; minus strand). Cytogenetic location: 2p23.2.
Variant type: single nucleotide variant.
Coding change: c.2185C>G on transcript NM_004304.5 (MANE Select); coding-DNA position 2185, C replaced by G.
Protein change: p.Pro729Ala; replaces proline 729 with alanine.
Molecular consequence: missense variant.
Genome position (GRCh38, 1-based): chr2:29,251,124, G>C on the plus strand (C>G on the coding strand, the complement: ALK is on the minus strand). VCF-style: chr2-29251124-G-C. GRCh37 (hg19) VCF-style: chr2-29473990-G-C.
Other names: short protein forms P729A.
Identifiers: ClinVar variation 1425736 (VCV001425736.8), dbSNP rs2148197245, ClinGen allele CA346476730.

ClinVar aggregate classification (germline): Uncertain significance (1 of 4 stars; one submission).

Conditions:
Neuroblastoma, susceptibility to, 3. Also called: ALK-Related Neuroblastic Tumor Susceptibility. Identifiers: Orphanet 635, MedGen C2751681, MONDO:0013083, OMIM 613014.

Submission:

Labcorp Genetics (formerly Invitae), Labcorp
Classification: Uncertain significance for Neuroblastoma, susceptibility to, 3. Last evaluated: 2024-05-20. Review status: criteria provided, single submitter. Criteria: Invitae Variant Classification Sherloc (09022015). Collection method: clinical testing. Allele origin: germline.
Comment: This sequence change replaces proline, which is neutral and non-polar, with alanine, which is neutral and non-polar, at codon 729 of the ALK protein (p.Pro729Ala). This variant is not present in population databases (gnomAD no frequency). This variant has not been reported in the literature in individuals affected with ALK-related conditions. ClinVar contains an entry for this variant (Variation ID: 1425736). An algorithm developed to predict the effect of missense changes on protein structure and function (PolyPhen-2) suggests that this variant is likely to be disruptive. In summary, the available evidence is currently insufficient to determine the role of this variant in disease. Therefore, it has been classified as a Variant of Uncertain Significance.